The following is an entry in ClinVar:

ClinVar aggregate classification (germline): Uncertain significance. Review status: criteria provided, multiple submitters, no conflicts (2 of 4 stars). 3 submissions from 3 submitters: Uncertain significance (3). Last evaluated 2025-08-26.

Conditions:
Inborn genetic diseases. Identifiers: MedGen C0950123, MeSH D030342.
Charcot-Marie-Tooth disease axonal type 2P. Also called: Charcot-Marie-Tooth Neuropathy Type 2G; CHARCOT-MARIE-TOOTH DISEASE, AXONAL, TYPE 2G; CMT 2G; CHARCOT-MARIE-TOOTH NEUROPATHY, TYPE 2P. Identifiers: Orphanet 300319, Orphanet 99941, MedGen C3280797, MONDO:0013753, OMIM 614436.

Allele frequency attached by ClinVar (database versions not stated): TOPMed below 0.00001; gnomAD exomes 0.00001; ExAC 0.00003.
gnomAD v4.1: 12 of 1,604,776 alleles (0.00075%); highest among the groups gnomAD compares: Non-Finnish European, 0.00076%; no homozygotes.

Submissions (3):

Ambry Genetics
Classification: Uncertain significance for Inborn genetic diseases. Last evaluated: 2025-08-26. Review status: criteria provided, single submitter. Criteria: Ambry Variant Classification Scheme 2023. Collection method: clinical testing. Allele origin: germline.

Labcorp Genetics (formerly Invitae), Labcorp
Classification: Uncertain significance for Charcot-Marie-Tooth disease axonal type 2P. Last evaluated: 2025-02-12. Review status: criteria provided, single submitter. Criteria: Invitae Variant Classification Sherloc (09022015). Collection method: clinical testing. Allele origin: germline.
Comment: This sequence change replaces alanine, which is neutral and non-polar, with threonine, which is neutral and polar, at codon 199 of the LRSAM1 protein (p.Ala199Thr). The frequency data for this variant in the population databases is considered unreliable, as metrics indicate poor data quality at this position in the gnomAD database. This variant has not been reported in the literature in individuals affected with LRSAM1-related conditions. ClinVar contains an entry for this variant (Variation ID: 1317457). Invitae Evidence Modeling of protein sequence and biophysical properties (such as structural, functional, and spatial information, amino acid conservation, physicochemical variation, residue mobility, and thermodynamic stability) indicates that this missense variant is not expected to disrupt LRSAM1 protein function with a negative predictive value of 80%. In summary, the available evidence is currently insufficient to determine the role of this variant in disease. Therefore, it has been classified as a Variant of Uncertain Significance.

GeneDx
Classification: Uncertain significance. Last evaluated: 2019-11-19. Review status: criteria provided, single submitter. Criteria: GeneDx Variant Classification Process June 2021. Collection method: clinical testing. Allele origin: germline. Affected: yes.
Comment: In silico analysis, which includes protein predictors and evolutionary conservation, supports that this variant does not alter protein structure/function; Has not been previously published as pathogenic or benign to our knowledge; No data available from control populations to assess the frequency of this variant

NM_001005373.4(LRSAM1):c.595G>A (p.Ala199Thr)

Gene: LRSAM1 (leucine rich repeat and sterile alpha motif containing 1; plus strand). Cytogenetic location: 9q33.3.
Variant type: single nucleotide variant.
Coding change: c.595G>A on transcript NM_001005373.4 (MANE Select); coding-DNA position 595, G replaced by A.
Protein change: p.Ala199Thr; replaces alanine 199 with threonine.
Molecular consequence: missense variant. On other transcripts: 5 prime UTR variant (1), non-coding transcript variant (2).
Genome position (GRCh38, 1-based): chr9:127,467,806, G>A. VCF-style: chr9-127467806-G-A. GRCh37 (hg19) VCF-style: chr9-130230085-G-A.
Other names: c.595G>A, p.Ala199Thr (NM_001005374.4, NM_001190723.3, NM_001384142.1 and 2 more transcripts); c.-190G>A (NM_001384144.1); c.595G>A (NM_138361.4); short protein forms A199T.
Identifiers: ClinVar variation 1317457 (VCV001317457.9), dbSNP rs745326217, ClinGen allele CA5246611.